The following is an entry in ClinVar:

NM_000135.4(FANCA):c.3532G>A (p.Glu1178Lys)

Gene: FANCA (FA complementation group A; minus strand). Cytogenetic location: 16q24.3.
Variant type: single nucleotide variant.
Coding change: c.3532G>A on transcript NM_000135.4 (MANE Select); coding-DNA position 3532, G replaced by A.
Protein change: p.Glu1178Lys; replaces glutamic acid 1178 with lysine.
Molecular consequence: missense variant.
Genome position (GRCh38, 1-based): chr16:89,745,053, C>T on the plus strand (G>A on the coding strand, the complement: FANCA is on the minus strand). VCF-style: chr16-89745053-C-T. GRCh37 (hg19) VCF-style: chr16-89811461-C-T.
Other names: c.3532G>A, p.Glu1178Lys (NM_001286167.3); short protein forms E1178K.
Identifiers: ClinVar variation 1710959 (VCV001710959.1), dbSNP rs1474383208, ClinGen allele CA397485759.

ClinVar aggregate classification (germline): Uncertain significance (1 of 4 stars; one submission).

Conditions:
Fanconi anemia complementation group A (FANCA). Also called: Fanconi anemia, group A; FANCA-Related Fanconi Anemia. Identifiers: Orphanet 84, MedGen C3469521, MONDO:0009215, OMIM 227650.

Allele frequency attached by ClinVar (database versions not stated): TOPMed below 0.00001.

Submission:

St. Jude Molecular Pathology, St. Jude Children's Research Hospital
Classification: Uncertain significance for Fanconi anemia complementation group A. Last evaluated: 2022-07-12. Review status: criteria provided, single submitter. Criteria: St. Jude Assertion Criteria 2020. Collection method: clinical testing. Allele origin: germline.
Comment: The FANCA c.3532G>A (p.Glu1178Lys) missense change is absent in gnomAD v2.1.1. The in silico tool REVEL predicts a deleterious effect on protein function, but to our knowledge this prediction has not been confirmed by functional studies. To our knowledge, this variant has not been reported in individuals with Fanconi anemia. In summary, the evidence currently available is insufficient to determine the clinical significance of this variant. It has therefore been classified as of uncertain significance.